The following is an entry in ClinVar:

ClinVar aggregate classification (germline): Likely benign. Review status: criteria provided, multiple submitters, no conflicts (2 of 4 stars). 2 submissions from 2 submitters: Likely benign (2). Last evaluated 2025-11-17.

Allele frequency attached by ClinVar (database versions not stated): gnomAD 0.00002; TOPMed 0.00002.
gnomAD v4.1: 55 of 1,610,286 alleles (0.0034%); highest among the groups gnomAD compares: Admixed American, 0.0067%; no homozygotes.

Submissions (2):

Labcorp Genetics (formerly Invitae), Labcorp
Classification: Likely benign. Last evaluated: 2025-11-17. Review status: criteria provided, single submitter. Criteria: Invitae Variant Classification Sherloc (09022015). Collection method: clinical testing. Allele origin: germline.

Mayo Clinic Laboratories, Mayo Clinic
Classification: Likely benign. Last evaluated: 2025-06-05. Review status: criteria provided, single submitter. Criteria: ACMG Guidelines, 2015. Collection method: clinical testing. Allele origin: germline. Observed: 1 variant allele.
Comment: BP4, BP7

NM_182493.3(MYLK3):c.564G>A (p.Gly188=)

Gene: MYLK3 (myosin light chain kinase 3; minus strand). Cytogenetic location: 16q11.2.
Variant type: single nucleotide variant.
Coding change: c.564G>A on transcript NM_182493.3 (MANE Select); coding-DNA position 564, G replaced by A.
Protein change: p.Gly188=; no amino-acid change (glycine 188 retained).
Molecular consequence: synonymous variant. On other transcripts: 5 prime UTR variant (1).
Genome position (GRCh38, 1-based): chr16:46,740,061, C>T on the plus strand (G>A on the coding strand, the complement: MYLK3 is on the minus strand). VCF-style: chr16-46740061-C-T. GRCh37 (hg19) VCF-style: chr16-46773973-C-T.
Other names: p.Gly188=; c.-27G>A (NM_001308301.1).
Identifiers: ClinVar variation 1606819 (VCV001606819.9), dbSNP rs777129890, ClinGen allele CA8038211.